The following is an entry in ClinVar:

NM_199355.4(ADAMTS18):c.1829A>C (p.Lys610Thr)

Gene: ADAMTS18 (ADAM metallopeptidase with thrombospondin type 1 motif 18; minus strand). Cytogenetic location: 16q23.1.
Variant type: single nucleotide variant.
Coding change: c.1829A>C on transcript NM_199355.4 (MANE Select); coding-DNA position 1829, A replaced by C.
Protein change: p.Lys610Thr; replaces lysine 610 with threonine.
Molecular consequence: missense variant.
Genome position (GRCh38, 1-based): chr16:77,335,786, T>G on the plus strand (A>C on the coding strand, the complement: ADAMTS18 is on the minus strand). VCF-style: chr16-77335786-T-G. GRCh37 (hg19) VCF-style: chr16-77369683-T-G.
Other names: c.1313A>C, p.Lys438Thr (NM_001326358.2); short protein forms K438T, K610T.
Identifiers: ClinVar variation 1477629 (VCV001477629.5), dbSNP rs202020248, ClinGen allele CA396831864.

ClinVar aggregate classification (germline): Uncertain significance. Review status: criteria provided, single submitter (1 of 4 stars). 2 submissions from 2 submitters: Uncertain significance (1). 1 of the submissions does not count toward it. Last evaluated 2021-11-22.

Conditions:
Retinal dystrophy. Also called: Inherited retinal dystrophy. Identifiers: Orphanet 71862, MedGen C0854723, MeSH D058499, MONDO:0019118, HP:0000556.

gnomAD v4.1: 10 of 1,614,126 alleles (0.00062%); highest among the groups gnomAD compares: African/African-American, 0.004%; no homozygotes.

Submissions (2):

Labcorp Genetics (formerly Invitae), Labcorp
Classification: Uncertain significance. Last evaluated: 2021-11-22. Review status: criteria provided, single submitter. Criteria: Invitae Variant Classification Sherloc (09022015). Collection method: clinical testing. Allele origin: germline.
Comment: Algorithms developed to predict the effect of missense changes on protein structure and function output the following: SIFT: "Not Available"; PolyPhen-2: "Benign"; Align-GVGD: "Not Available". The threonine amino acid residue is found in multiple mammalian species, which suggests that this missense change does not adversely affect protein function. In summary, the available evidence is currently insufficient to determine the role of this variant in disease. Therefore, it has been classified as a Variant of Uncertain Significance. This variant has not been reported in the literature in individuals affected with ADAMTS18-related conditions. This variant is present in population databases (no rsID available, gnomAD 0.01%). This sequence change replaces lysine, which is basic and polar, with threonine, which is neutral and polar, at codon 610 of the ADAMTS18 protein (p.Lys610Thr).

Institute of Human Genetics, Univ. Regensburg, Univ. Regensburg
Classification: Uncertain significance for Retinal dystrophy. Last evaluated: 2023-01-01. Review status: no assertion criteria provided. Criteria: ACMG Guidelines, 2015. Collection method: clinical testing. Allele origin: germline. Affected: yes. Not counted in ClinVar's aggregate classification.